The following is an entry in ClinVar:

NM_001267550.2(TTN):c.54809T>C (p.Ile18270Thr)

Genes: TTN (titin; minus strand), TTN-AS1 (TTN antisense RNA 1; plus strand). Cytogenetic location: 2q31.2.
Variant type: single nucleotide variant.
Coding change: c.54809T>C on transcript NM_001267550.2 (MANE Select); coding-DNA position 54809, T replaced by C.
Protein change: p.Ile18270Thr; replaces isoleucine 18270 with threonine.
Molecular consequence: missense variant.
Genome position (GRCh38, 1-based): chr2:178,603,878, A>G on the plus strand (T>C on the coding strand, the complement: TTN is on the minus strand). VCF-style: chr2-178603878-A-G. GRCh37 (hg19) VCF-style: chr2-179468605-A-G.
Other names: c.49886T>C, p.Ile16629Thr (NM_001256850.1); c.27614T>C, p.Ile9205Thr (NM_003319.4); c.47105T>C, p.Ile15702Thr (NM_133378.4); c.27989T>C, p.Ile9330Thr (NM_133432.3); c.28190T>C, p.Ile9397Thr (NM_133437.4); short protein forms I15702T, I16629T, I18270T, I9205T, I9330T, I9397T.
Identifiers: ClinVar variation 2672842 (VCV002672842.25), dbSNP rs768963302, ClinGen allele CA1993575.

ClinVar aggregate classification (germline): Uncertain significance. Review status: criteria provided, multiple submitters, no conflicts (2 of 4 stars). 3 submissions from 3 submitters: Uncertain significance (3). Last evaluated 2026-01-27.

Conditions:
TTN-related disorder. Also called: TTN-related condition; TTN-related disease; TTN-related disorders.

Allele frequency attached by ClinVar (database versions not stated): ExAC 0.00001; gnomAD 0.00001; gnomAD exomes 0.00001; TOPMed 0.00003.
gnomAD v4.1: 16 of 1,578,010 alleles (0.001%); highest among the groups gnomAD compares: Admixed American, 0.0051%; no homozygotes.

Submissions (3):

PreventionGenetics, part of Exact Sciences
Classification: Uncertain significance for TTN-related condition. Last evaluated: 2026-01-27. Review status: criteria provided, single submitter. Criteria: ACMG Guidelines, 2015. Collection method: clinical testing. Allele origin: germline.
Comment: The TTN c.54809T>C variant is predicted to result in the amino acid substitution p.Ile18270Thr. To our knowledge, this variant has not been reported in the literature. This variant is reported in 0.0090% of alleles in individuals of Latino descent in gnomAD. At this time, the clinical significance of this variant is uncertain due to the absence of conclusive functional and genetic evidence.

GeneDx
Classification: Uncertain significance. Last evaluated: 2025-05-28. Review status: criteria provided, single submitter. Criteria: GeneDx Variant Classification Process June 2021. Collection method: clinical testing. Allele origin: germline. Affected: yes.
Comment: Not observed at significant frequency in large population cohorts (gnomAD); Missense variant in a gene in which most reported pathogenic variants are truncating/loss of function; Has not been previously published as pathogenic or benign to our knowledge

CeGaT Center for Human Genetics Tuebingen
Classification: Uncertain significance. Last evaluated: 2024-01-01. Review status: criteria provided, single submitter. Criteria: CeGaT Center For Human Genetics Tuebingen Variant Classification Criteria Version 2. Collection method: clinical testing. Allele origin: germline. Affected: yes. Observed: 2 variant alleles.